The following is an entry in ClinVar:

NM_015374.3(SUN2):c.1867G>T (p.Ala623Ser)

Genes: SUN2 (Sad1 and UNC84 domain containing 2; minus strand), GTPBP1 (GTP binding protein 1; plus strand). Cytogenetic location: 22q13.1.
Variant type: single nucleotide variant.
Coding change: c.1867G>T on transcript NM_015374.3 (MANE Select); coding-DNA position 1867, G replaced by T.
Protein change: p.Ala623Ser; replaces alanine 623 with serine.
Molecular consequence: missense variant.
Genome position (GRCh38, 1-based): chr22:38,738,667, C>A on the plus strand (G>T on the coding strand, the complement: SUN2 is on the minus strand). VCF-style: chr22-38738667-C-A. GRCh37 (hg19) VCF-style: chr22-39134672-C-A.
Other names: c.1930G>T, p.Ala644Ser (NM_001199579.2, NM_001394428.1); c.1867G>T, p.Ala623Ser (NM_001199580.2, NM_001394431.1, NM_001394432.1 and 3 more transcripts); c.1960G>T, p.Ala654Ser (NM_001394427.1); c.1912G>T, p.Ala638Ser (NM_001394429.1, NM_001394430.1); c.1864G>T, p.Ala622Ser (NM_001394436.1, NM_001394437.1); c.1777G>T, p.Ala593Ser (NM_001394438.1); c.1729G>T, p.Ala577Ser (NM_001394439.1, NM_001394440.1, NM_001394441.1); c.1468G>T, p.Ala490Ser (NM_001394442.1); and 2 more; short protein forms A459S, A577S, A593S, A623S, A644S, A431S, A638S, A490S.
Identifiers: ClinVar variation 4744537 (VCV004744537.1).
Genomic context (GRCh38, chr22:38,738,667, plus strand): 5'-GGGCACTGGAGATAGTGCTGTTGGGTGACAAGGCCTTGGGCACATGCTCTAAGGTAACGG[C>A]TGTGGGGCGGATGCGGGCAGAGAGGCGGACCACGGCGAAGCCTTGTGGCCCCTGGAAGGC-3'
Protein context (NP_056189.1, residues 613-633): VRLSARIRPT[Ala623Ser]VTLEHVPKAL

ClinVar aggregate classification (germline): Uncertain significance (1 of 4 stars; one submission).

Conditions:
Emery-Dreifuss muscular dystrophy (EDMD). Also called: Scapuloperoneal syndrome, X-linked (formerly); Humeroperoneal neuromuscular disease, (formerly). Identifiers: Orphanet 261, MedGen C0410189, MONDO:0016830.

gnomAD v4.1: 17 of 1,613,992 alleles (0.0011%); highest among the groups gnomAD compares: South Asian, 0.016%; no homozygotes.

Submission:

Labcorp Genetics (formerly Invitae), Labcorp
Classification: Uncertain significance for Emery-Dreifuss muscular dystrophy. Last evaluated: 2025-07-06. Review status: criteria provided, single submitter. Criteria: Invitae Variant Classification Sherloc (09022015). Collection method: clinical testing. Allele origin: germline.
Comment: This sequence change replaces alanine, which is neutral and non-polar, with serine, which is neutral and polar, at codon 623 of the SUN2 protein (p.Ala623Ser). This variant is present in population databases (rs529451583, gnomAD 0.01%). This variant has not been reported in the literature in individuals affected with SUN2-related conditions. An algorithm developed to predict the effect of missense changes on protein structure and function (PolyPhen-2) suggests that this variant is likely to be disruptive. In summary, the available evidence is currently insufficient to determine the role of this variant in disease. Therefore, it has been classified as a Variant of Uncertain Significance.